The following is an entry in ClinVar:

NM_004260.4(RECQL4):c.3237-18A>G

Gene: RECQL4 (RecQ like helicase 4; minus strand). Cytogenetic location: 8q24.3.
Variant type: single nucleotide variant.
Coding change: c.3237-18A>G on transcript NM_004260.4 (MANE Select); 18 bases into the intron before coding-DNA position 3237, A replaced by G.
Molecular consequence: intron variant.
Genome position (GRCh38, 1-based): chr8:144,512,085, T>C on the plus strand (A>G on the coding strand, the complement: RECQL4 is on the minus strand). VCF-style: chr8-144512085-T-C. GRCh37 (hg19) VCF-style: chr8-145737468-T-C.
Other names: c.3108-18A>G (NM_001413025.1); c.2886-18A>G (NM_001413029.1); c.2100-18A>G (NM_001413032.1, NM_001413027.1, NM_001413030.1); c.2166-18A>G (NM_001413035.1, NM_001413040.1, NM_001413021.1 and 4 more transcripts); c.2943-18A>G (NM_001413017.1); c.3141-18A>G (NM_001413020.1); c.3207-18A>G (NM_001413039.1); c.3105-18A>G (NM_001413033.1); and 9 more.
Identifiers: ClinVar variation 4724728 (VCV004724728.1).
Genomic context (GRCh38, chr8:144,512,085, plus strand): 5'-ATCCTGCTGCTCCAGGCAGGGCCCGCAGCTGGGGAAGGCTACGCTGTGGGGAGGAGCCTG[T>C]CAGAGCTGATCACTGCGGGAGGGTGGATGGTCCCAGGCCCCGCCCGCCTCCTCCCAACCT-3'

ClinVar aggregate classification (germline): Uncertain significance (1 of 4 stars; one submission).

Conditions:
Baller-Gerold syndrome (BGS). Also called: CRANIOSYNOSTOSIS WITH RADIAL DEFECTS. Identifiers: Orphanet 1225, MedGen C0265308, MONDO:0009039, OMIM 218600.

Submission:

Labcorp Genetics (formerly Invitae), Labcorp
Classification: Uncertain significance for Baller-Gerold syndrome. Last evaluated: 2025-08-20. Review status: criteria provided, single submitter. Criteria: Invitae Variant Classification Sherloc (09022015). Collection method: clinical testing. Allele origin: germline.
Comment: This sequence change falls in intron 18 of the RECQL4 gene. It does not directly change the encoded amino acid sequence of the RECQL4 protein. This variant is not present in population databases (gnomAD no frequency). This variant has not been reported in the literature in individuals affected with RECQL4-related conditions. Algorithms developed to predict the effect of sequence changes on RNA splicing suggest that this variant may disrupt the consensus splice site. In summary, the available evidence is currently insufficient to determine the role of this variant in disease. Therefore, it has been classified as a Variant of Uncertain Significance.